The following is an entry in ClinVar:

NM_022114.4(PRDM16):c.2940-18C>T

Gene: PRDM16 (PR/SET domain 16; plus strand). Cytogenetic location: 1p36.32.
Variant type: single nucleotide variant.
Coding change: c.2940-18C>T on transcript NM_022114.4 (MANE Select); 18 bases into the intron before coding-DNA position 2940, C replaced by T.
Molecular consequence: intron variant.
Genome position (GRCh38, 1-based): chr1:3,425,563, C>T. VCF-style: chr1-3425563-C-T. GRCh37 (hg19) VCF-style: chr1-3342127-C-T.
Other names: c.2940-18C>T (NM_199454.3).
Identifiers: ClinVar variation 392369 (VCV000392369.12), dbSNP rs377695146, ClinGen allele CA544673.

ClinVar aggregate classification (germline): Benign/Likely benign. Review status: criteria provided, multiple submitters, no conflicts (2 of 4 stars). 5 submissions from 5 submitters: Benign (2); Likely benign (3). Last evaluated 2026-02-02.

Conditions:
Left ventricular noncompaction 8 (LVNC8). Identifiers: Orphanet 154, Orphanet 54260, MedGen C3809288, MONDO:0014152, OMIM 615373.

Allele frequency attached by ClinVar (database versions not stated): gnomAD exomes 0.00010 and 0.00031; ExAC 0.00045; 1000 Genomes Project 0.00080; gnomAD 0.00091 and 0.00100; 1000 Genomes Project 30x 0.00094; TOPMed 0.00122; ESP Exome Variant Server 0.00171.
gnomAD v4.1: 301 of 1,611,948 alleles (0.019%); highest among the groups gnomAD compares: African/African-American, 0.33%; no homozygotes.

Submissions (5):

Labcorp Genetics (formerly Invitae), Labcorp
Classification: Benign for Left ventricular noncompaction 8. Last evaluated: 2026-02-02. Review status: criteria provided, single submitter. Criteria: Invitae Variant Classification Sherloc (09022015). Collection method: clinical testing. Allele origin: germline.

ARUP Laboratories, Molecular Genetics and Genomics, ARUP Laboratories
Classification: Likely benign. Last evaluated: 2024-10-25. Review status: criteria provided, single submitter. Criteria: ARUP Molecular Germline Variant Investigation Process 2024. Collection method: clinical testing. Allele origin: germline.

Women's Health and Genetics/Laboratory Corporation of America, LabCorp
Classification: Benign. Last evaluated: 2024-10-06. Review status: criteria provided, single submitter. Criteria: LabCorp Variant Classification Summary - May 2015. Collection method: clinical testing. Allele origin: germline.

Blueprint Genetics
Classification: Likely benign. Last evaluated: 2024-07-17. Review status: criteria provided, single submitter. Criteria: ACMG Guidelines, 2015. Collection method: clinical testing. Allele origin: germline.

GeneDx
Classification: Likely benign. Last evaluated: 2017-01-05. Review status: criteria provided, single submitter. Criteria: GeneDx Variant Classification (06012015). Collection method: clinical testing. Allele origin: germline. Affected: yes.
Comment: This variant is considered likely benign or benign based on one or more of the following criteria: it is a conservative change, it occurs at a poorly conserved position in the protein, it is predicted to be benign by multiple in silico algorithms, and/or has population frequency not consistent with disease.